The following is an entry in ClinVar:

ClinVar aggregate classification (germline): Conflicting classifications of pathogenicity. Review status: criteria provided, conflicting classifications (1 of 4 stars). 2 submissions from 2 submitters: Uncertain significance (1); Benign (1). Last evaluated 2025-08-20.

Conditions:
Hereditary cancer-predisposing syndrome. Also called: Hereditary Cancer Syndrome; Tumor predisposition; Neoplastic Syndromes, Hereditary; Hereditary neoplastic syndrome. Identifiers: Orphanet 140162, MedGen C0027672, MeSH D009386, MONDO:0015356.
Hereditary nonpolyposis colorectal neoplasms. Identifiers: MedGen C0009405, MeSH D003123.

Submissions (2):

Labcorp Genetics (formerly Invitae), Labcorp
Classification: Benign for Hereditary nonpolyposis colorectal neoplasms. Last evaluated: 2025-08-20. Review status: criteria provided, single submitter. Criteria: Invitae Variant Classification Sherloc (09022015). Collection method: clinical testing. Allele origin: germline.

Ambry Genetics
Classification: Uncertain significance for Hereditary cancer-predisposing syndrome. Last evaluated: 2022-01-13. Review status: criteria provided, single submitter. Criteria: Ambry Variant Classification Scheme 2023. Collection method: clinical testing. Allele origin: germline.
Comment: The p.M1156K variant (also known as c.3467T>A), located in coding exon 6 of the MSH6 gene, results from a T to A substitution at nucleotide position 3467. The methionine at codon 1156 is replaced by lysine, an amino acid with similar properties. This amino acid position is not well conserved in available vertebrate species. In addition, this alteration is predicted to be deleterious by in silico analysis. Since supporting evidence is limited at this time, the clinical significance of this alteration remains unclear.

NM_000179.3(MSH6):c.3467T>A (p.Met1156Lys)

Gene: MSH6 (mutS homolog 6; plus strand). Cytogenetic location: 2p16.3.
Variant type: single nucleotide variant.
Coding change: c.3467T>A on transcript NM_000179.3 (MANE Select); coding-DNA position 3467, T replaced by A.
Protein change: p.Met1156Lys; replaces methionine 1156 with lysine.
Molecular consequence: missense variant.
Genome position (GRCh38, 1-based): chr2:47,804,938, T>A. VCF-style: chr2-47804938-T-A. GRCh37 (hg19) VCF-style: chr2-48032077-T-A.
Other names: c.3077T>A, p.Met1026Lys (NM_001281492.2); c.2561T>A, p.Met854Lys (NM_001281493.2, NM_001281494.2); short protein forms M1026K, M1156K, M854K.
Identifiers: ClinVar variation 1011862 (VCV001011862.11), dbSNP rs876659549, ClinGen allele CA346760069.